The following is an entry in ClinVar:

NM_001291303.3(FAT4):c.3466A>G (p.Thr1156Ala)

Gene: FAT4 (FAT atypical cadherin 4; plus strand). Cytogenetic location: 4q28.1.
Variant type: single nucleotide variant.
Coding change: c.3466A>G on transcript NM_001291303.3 (MANE Select); coding-DNA position 3466, A replaced by G.
Protein change: p.Thr1156Ala; replaces threonine 1156 with alanine.
Molecular consequence: missense variant.
Genome position (GRCh38, 1-based): chr4:125,319,877, A>G. VCF-style: chr4-125319877-A-G. GRCh37 (hg19) VCF-style: chr4-126241032-A-G.
Other names: c.3466A>G, p.Thr1156Ala (NM_001291285.3, NM_024582.6); short protein forms T1156A.
Identifiers: ClinVar variation 1369691 (VCV001369691.5), dbSNP rs372642535, ClinGen allele CA3072313.

ClinVar aggregate classification (germline): Uncertain significance (1 of 4 stars; one submission).

Allele frequency attached by ClinVar (database versions not stated): gnomAD exomes below 0.00001 and 0.00002; ExAC 0.00002; gnomAD 0.00004 and 0.00005; TOPMed 0.00004; ESP Exome Variant Server 0.00008; 1000 Genomes Project 30x 0.00031; 1000 Genomes Project 0.00040.
gnomAD v4.1: 15 of 1,614,198 alleles (0.00093%); highest among the groups gnomAD compares: African/African-American, 0.017%; no homozygotes.

Submission:

Labcorp Genetics (formerly Invitae), Labcorp
Classification: Uncertain significance. Last evaluated: 2021-09-24. Review status: criteria provided, single submitter. Criteria: Invitae Variant Classification Sherloc (09022015). Collection method: clinical testing. Allele origin: germline.
Comment: This sequence change replaces threonine with alanine at codon 1156 of the FAT4 protein (p.Thr1156Ala). The threonine residue is moderately conserved and there is a small physicochemical difference between threonine and alanine. This variant is present in population databases (rs372642535, ExAC 0.03%). This variant has not been reported in the literature in individuals with FAT4-related conditions. Advanced modeling of protein sequence and biophysical properties (such as structural, functional, and spatial information, amino acid conservation, physicochemical variation, residue mobility, and thermodynamic stability) performed at Invitae indicates that this missense variant is not expected to disrupt FAT4 protein function. In summary, the available evidence is currently insufficient to determine the role of this variant in disease. Therefore, it has been classified as a Variant of Uncertain Significance.